The following is an entry in ClinVar:

ClinVar aggregate classification (germline): Conflicting classifications of pathogenicity. Review status: criteria provided, conflicting classifications (1 of 4 stars). 3 submissions from 3 submitters: Uncertain significance (1); Likely benign (2). Last evaluated 2025-02-16.

Allele frequency attached by ClinVar (database versions not stated): gnomAD 0.00007; ESP Exome Variant Server 0.00008; TOPMed 0.00010.
gnomAD v4.1: 36 of 1,613,012 alleles (0.0022%); highest among the groups gnomAD compares: African/African-American, 0.021%; no homozygotes.

Submissions (3):

Laboratory of Genetics, Children's Clinical University Hospital Latvia
Classification: Likely benign. Last evaluated: 2025-02-16. Review status: criteria provided, single submitter. Criteria: ACMG Guidelines, 2015. Collection method: clinical testing. Allele origin: germline. Affected: yes.

CeGaT Center for Human Genetics Tuebingen
Classification: Likely benign. Last evaluated: 2024-11-01. Review status: criteria provided, single submitter. Criteria: CeGaT Center For Human Genetics Tuebingen Variant Classification Criteria Version 2. Collection method: clinical testing. Allele origin: germline. Affected: yes. Observed: 1 variant allele.
Comment: SON: BP1

Labcorp Genetics (formerly Invitae), Labcorp
Classification: Uncertain significance. Last evaluated: 2023-12-11. Review status: criteria provided, single submitter. Criteria: Invitae Variant Classification Sherloc (09022015). Collection method: clinical testing. Allele origin: germline.
Comment: This sequence change replaces arginine, which is basic and polar, with tryptophan, which is neutral and slightly polar, at codon 1928 of the SON protein (p.Arg1928Trp). This variant is present in population databases (rs368142947, gnomAD 0.03%). This variant has not been reported in the literature in individuals affected with SON-related conditions. Experimental studies and prediction algorithms are not available or were not evaluated, and the functional significance of this variant is currently unknown. In summary, the available evidence is currently insufficient to determine the role of this variant in disease. Therefore, it has been classified as a Variant of Uncertain Significance.

NM_138927.4(SON):c.5782C>T (p.Arg1928Trp)

Gene: SON (SON DNA and RNA binding protein; plus strand). Cytogenetic location: 21q22.11.
Variant type: single nucleotide variant.
Coding change: c.5782C>T on transcript NM_138927.4 (MANE Select); coding-DNA position 5782, C replaced by T.
Protein change: p.Arg1928Trp; replaces arginine 1928 with tryptophan.
Molecular consequence: missense variant. On other transcripts: non-coding transcript variant (1), intron variant (1).
Genome position (GRCh38, 1-based): chr21:33,555,013, C>T. VCF-style: chr21-33555013-C-T. GRCh37 (hg19) VCF-style: chr21-34927319-C-T.
Other names: c.5782C>T, p.Arg1928Trp (NM_001291411.2, NM_001412133.1, NM_032195.3 and 2 more transcripts); c.245-2143C>T (NM_001291412.3); short protein forms R1928W.
Identifiers: ClinVar variation 2721482 (VCV002721482.18), dbSNP rs368142947, ClinGen allele CA10009801.